The following is an entry in ClinVar:

NM_001127217.3(SMAD9):c.696dup (p.Ala233fs)

Gene: SMAD9 (SMAD family member 9; minus strand). Cytogenetic location: 13q13.3.
Variant type: Duplication.
Coding change: c.696dup on transcript NM_001127217.3 (MANE Select); coding-DNA position 696, one base duplicated (T; older notation c.696dupT).
Protein change: p.Ala233fs; shifts the reading frame from alanine 233.
Molecular consequence: frameshift variant. On other transcripts: intron variant (2).
Genome position (GRCh38, 1-based): chr13:36,867,358, A duplicated on the plus strand (T on the coding strand, the reverse complement: SMAD9 is on the minus strand). VCF-style (leftmost placement, unchanged base first): chr13-36867357-C-CA. GRCh37 (hg19) VCF-style: chr13-37441494-C-CA.
Other names: c.671-1600dup (NM_005905.6, NM_001378621.1); short protein forms A233fs.
Identifiers: ClinVar variation 4755191 (VCV004755191.1).

ClinVar aggregate classification (germline): Pathogenic (1 of 4 stars; one submission).

Conditions:
Pulmonary hypertension, primary, 2. Identifiers: Orphanet 422, MedGen C3888002, MONDO:0014134, OMIM 615342.

Submission:

Labcorp Genetics (formerly Invitae), Labcorp
Classification: Pathogenic for Pulmonary hypertension, primary, 2. Last evaluated: 2025-06-18. Review status: criteria provided, single submitter. Criteria: Invitae Variant Classification Sherloc (09022015). Collection method: clinical testing. Allele origin: germline.
Comment: This sequence change creates a premature translational stop signal (p.Ala233Cysfs*6) in the SMAD9 gene. It is expected to result in an absent or disrupted protein product. Loss-of-function variants in SMAD9 are known to be pathogenic (PMID: 19419974, 31727138). This variant is present in population databases (no rsID available, gnomAD 0.002%). This variant has not been reported in the literature in individuals affected with SMAD9-related conditions. Algorithms developed to predict the effect of sequence changes on RNA splicing suggest that this variant may disrupt the consensus splice site. For these reasons, this variant has been classified as Pathogenic.

Literature cited by the submitters: PubMed 19419974; PubMed 31727138.